The following is an entry in ClinVar:

ClinVar aggregate classification (germline): Uncertain significance (0 of 4 stars; one submission).

Conditions:
NCOA1-related disorder. Also called: NCOA1-related condition.

Submission:

PreventionGenetics, part of Exact Sciences
Classification: Uncertain significance for NCOA1-related condition. Last evaluated: 2024-09-23. Review status: no assertion criteria provided. Collection method: clinical testing. Allele origin: germline.
Comment: The NCOA1 c.2033C>T variant is predicted to result in the amino acid substitution p.Ser678Phe. To our knowledge, this variant has not been reported in the literature or in a large population database, indicating this variant is rare. At this time, the clinical significance of this variant is uncertain due to the absence of conclusive functional and genetic evidence.

NM_003743.5(NCOA1):c.2033C>T (p.Ser678Phe)

Gene: NCOA1 (nuclear receptor coactivator 1; plus strand). Cytogenetic location: 2p23.3.
Variant type: single nucleotide variant.
Coding change: c.2033C>T on transcript NM_003743.5 (MANE Select); coding-DNA position 2033, C replaced by T.
Protein change: p.Ser678Phe; replaces serine 678 with phenylalanine.
Molecular consequence: missense variant.
Genome position (GRCh38, 1-based): chr2:24,707,503, C>T. VCF-style: chr2-24707503-C-T. GRCh37 (hg19) VCF-style: chr2-24930372-C-T.
Other names: c.2033C>T, p.Ser678Phe (NM_001362950.1, NM_001362952.1, NM_001362954.1 and 3 more transcripts); short protein forms S678F.
Identifiers: ClinVar variation 3344589 (VCV003344589.1).
Genomic context (GRCh38, chr2:24,707,503, plus strand): 5'-TGTCTTGCACAGGCACTTCCAACTCTGCCTCTGCTAACTCTTCAGGAGGTTCTTGTCCCT[C>T]TTCTCATAGCTCATTGACAGAACGGCATAAAATTCTACACCGGCTCTTACAGGAGGGTAG-3'
Protein context (NP_003734.3, residues 668-688): SANSSGGSCP[Ser678Phe]SHSSLTERHK